The following is an entry in ClinVar:

NM_020778.5(ALPK3):c.2043_2044delinsCT (p.Gln681_Glu682delinsHisTer)

Gene: ALPK3 (alpha kinase 3; plus strand). Cytogenetic location: 15q25.3.
Variant type: Indel.
Coding change: c.2043_2044delinsCT on transcript NM_020778.5 (MANE Select); coding-DNA positions 2043 to 2044, GG replaced by CT.
Protein change: p.Gln681_Glu682delinsHisTer.
Molecular consequence: nonsense.
Genome position (GRCh38, 1-based): chr15:84,856,781-84,856,782, GG replaced by CT. VCF-style: chr15-84856781-GG-CT. GRCh37 (hg19) VCF-style: chr15-85400012-GG-CT.
Other names: c.2649_2650delGGinsCT (NM_020778.4).
Identifiers: ClinVar variation 1195460 (VCV001195460.37), dbSNP rs2141567430, ClinGen allele CA2499223116.
Genomic context (GRCh38, chr15:84,856,781, plus strand): 5'-GATGACACAGGGAAGGGCAGAGACACAGCTAGAAACAACACAGGCAGGTGAGAAGATACA[GG>CT]AAGACAGGAAGGCCCAGGCAGATAAGGGCACACAGGAAGACAGAAGGATGCAGGGAGAGA-3'

ClinVar aggregate classification (germline): Pathogenic/Likely pathogenic. Review status: criteria provided, multiple submitters, no conflicts (2 of 4 stars). 7 submissions from 7 submitters: Pathogenic (4); Likely pathogenic (3). Last evaluated 2026-08-04.

Conditions:
Cardiovascular phenotype. Identifiers: MedGen CN230736.
ALPK3-related disorder. Also called: ALPK3-related condition.
Cardiomyopathy (CMYO). Also called: Cardiomyopathies. Identifiers: Orphanet 167848, MedGen C0878544, MONDO:0004994, HP:0001638. Inheritance: Various modes of inheritance.
Cardiomyopathy, familial hypertrophic 27. Identifiers: MedGen C4748014, MONDO:0054838, OMIM 618052.

Submissions (7):

GeneDx
Classification: Pathogenic. Last evaluated: 2026-08-04. Review status: criteria provided, single submitter. Criteria: GeneDx Variant Classification Process June 2021. Collection method: clinical testing. Allele origin: germline.
Comment: Nonsense variant predicted to result in protein truncation or nonsense mediated decay in a gene for which loss of function is a known mechanism of disease; Not observed at significant frequency in large population cohorts (gnomAD); This variant is associated with the following publications: (PMID: 36788754, 39472908)

MVZ Martinsried, Medicover Genetics
Classification: Likely pathogenic for Cardiomyopathy, familial hypertrophic 27. Last evaluated: 2026-07-24. Review status: criteria provided, single submitter. Criteria: ClinGen Variant Curation SOP V3.2 + Classification Guidance July2025. Collection method: clinical testing. Allele origin: inherited. Affected: yes. Observed: 1 heterozygote.

Ambry Genetics
Classification: Pathogenic for Cardiovascular phenotype. Last evaluated: 2025-11-18. Review status: criteria provided, single submitter. Criteria: Ambry Variant Classification Scheme 2023. Collection method: clinical testing. Allele origin: germline.
Comment: The c.2649_2650delGGinsCT pathogenic mutation (also known as p.Q883_E884delinsH*), located in coding exon 6 of the ALPK3 gene, results from an in-frame deletion of GG and insertion of CT at nucleotide positions 2649 to 2650. This results in the substitution of the glutamine residue for a histidine at codon 883, and the substitution of the glutamic acid residue for a stop codon at codon 884. This variant is considered to be rare based on population cohorts in the Genome Aggregation Database (gnomAD). This alteration is expected to result in loss of function by premature protein truncation or nonsense-mediated mRNA decay. As such, this alteration is interpreted as a disease-causing mutation.

Labcorp Genetics (formerly Invitae), Labcorp
Classification: Pathogenic. Last evaluated: 2025-10-29. Review status: criteria provided, single submitter. Criteria: Invitae Variant Classification Sherloc (09022015). Collection method: clinical testing. Allele origin: germline.
Comment: This sequence change creates a premature translational stop signal (p.Gln883delinsHis*) in the ALPK3 gene. It is expected to result in an absent or disrupted protein product. Loss-of-function variants in ALPK3 are known to be pathogenic (PMID: 21441111, 26846950, 27106955, 34263907). Information on the frequency of this variant in the gnomAD database is not available, as this variant may be reported differently in the database. This variant has not been reported in the literature in individuals affected with ALPK3-related conditions. ClinVar contains an entry for this variant (Variation ID: 1195460). For these reasons, this variant has been classified as Pathogenic.

CeGaT Center for Human Genetics Tuebingen
Classification: Pathogenic. Last evaluated: 2025-01-01. Review status: criteria provided, single submitter. Criteria: CeGaT Center For Human Genetics Tuebingen Variant Classification Criteria Version 2. Collection method: clinical testing. Allele origin: germline. Affected: yes. Observed: 2 variant alleles.
Comment: ALPK3: PVS1, PM2

Blueprint Genetics
Classification: Likely pathogenic for ALPK3-related disorders. Last evaluated: 2023-05-24. Review status: criteria provided, single submitter. Criteria: ACMG Guidelines, 2015. Collection method: clinical testing. Allele origin: germline. Affected: yes. Observed: 2 variant alleles.

Women's Health and Genetics/Laboratory Corporation of America, LabCorp
Classification: Likely pathogenic for Cardiomyopathy. Last evaluated: 2022-11-21. Review status: criteria provided, single submitter. Criteria: LabCorp Variant Classification Summary - May 2015. Collection method: clinical testing. Allele origin: germline.
Comment: Variant summary: ALPK3 c.2649_2650delinsCT (p.Gln883HisfsX2 aka. p.Gln883_Glu884delinsHisX) results in a premature termination codon, predicted to cause a truncation of the encoded protein or absence of the protein due to nonsense mediated decay, which are commonly known mechanisms for disease. Truncations downstream of this position have been classified reported in affected individuals (HGMD). The variant allele was found at a frequency of 1.6e-05 in 251324 control chromosomes (gnomAD). To our knowledge, no occurrence of c.2649_2650delinsCT in individuals affected with Cardiomyopathy and no experimental evidence demonstrating its impact on protein function have been reported. Two clinical diagnostic laboratories have submitted clinical-significance assessments for this variant to ClinVar after 2014, and classified the variant as pathogenic (n=1) / likely pathogenic (n=1). Based on the evidence outlined above, the variant was classified as likely pathogenic.

Literature cited by the submitters: PubMed 21441111 (cited by Labcorp Genetics (formerly Invitae), Labcorp); PubMed 26846950 (cited by Labcorp Genetics (formerly Invitae), Labcorp); PubMed 27106955 (cited by Labcorp Genetics (formerly Invitae), Labcorp); PubMed 34263907 (cited by Labcorp Genetics (formerly Invitae), Labcorp).